The following is an entry in ClinVar:

NM_022367.4(SEMA4A):c.2194del (p.Arg732fs)

Gene: SEMA4A (semaphorin 4A; plus strand). Cytogenetic location: 1q22.
Variant type: Deletion.
Coding change: c.2194del on transcript NM_022367.4 (MANE Select); coding-DNA position 2194, one base deleted (A; older notation c.2194delA).
Protein change: p.Arg732fs; shifts the reading frame from arginine 732.
Molecular consequence: frameshift variant.
Genome position (GRCh38, 1-based): chr1:156,176,905, A deleted. VCF-style (leftmost placement, unchanged base first): chr1-156176904-CA-C. GRCh37 (hg19) VCF-style: chr1-156146695-CA-C.
Other names: c.2194del, p.Arg732fs (NM_001193300.2, NM_001193301.2, NM_001370567.1); c.1798del, p.Arg600fs (NM_001193302.2); c.1897del, p.Arg633fs (NM_001370568.1); c.1687del, p.Arg563fs (NM_001370569.1, NM_001370571.1); short protein forms R633fs, R732fs, R563fs, R600fs.
Identifiers: ClinVar variation 2017331 (VCV002017331.4), dbSNP rs2528330697, ClinGen allele CA2580061191.

ClinVar aggregate classification (germline): Uncertain significance (1 of 4 stars; one submission).

Submission:

Labcorp Genetics (formerly Invitae), Labcorp
Classification: Uncertain significance. Last evaluated: 2024-02-19. Review status: criteria provided, single submitter. Criteria: Invitae Variant Classification Sherloc (09022015). Collection method: clinical testing. Allele origin: germline.
Comment: This sequence change creates a premature translational stop signal (p.Arg732Glufs*25) in the SEMA4A gene. While this is not anticipated to result in nonsense mediated decay, it is expected to disrupt the last 30 amino acid(s) of the SEMA4A protein. This variant is not present in population databases (gnomAD no frequency). This variant has not been reported in the literature in individuals affected with SEMA4A-related conditions. ClinVar contains an entry for this variant (Variation ID: 2017331). Experimental studies and prediction algorithms are not available or were not evaluated, and the functional significance of this variant is currently unknown. In summary, the available evidence is currently insufficient to determine the role of this variant in disease. Therefore, it has been classified as a Variant of Uncertain Significance.